The following is an entry in ClinVar:

NM_001904.4(CTNNB1):c.788T>G (p.Leu263Ter)

Gene: CTNNB1 (catenin beta 1; plus strand). Cytogenetic location: 3p22.1.
Variant type: single nucleotide variant.
Coding change: c.788T>G on transcript NM_001904.4 (MANE Select); coding-DNA position 788, T replaced by G.
Protein change: p.Leu263Ter; replaces leucine 263 with a stop codon.
Molecular consequence: nonsense.
Genome position (GRCh38, 1-based): chr3:41,225,713, T>G. VCF-style: chr3-41225713-T-G. GRCh37 (hg19) VCF-style: chr3-41267204-T-G.
Other names: c.788T>G, p.Leu263Ter (NM_001098209.2, NM_001098210.2); c.767T>G, p.Leu256Ter (NM_001330729.2); short protein forms L256*, L263*.
Identifiers: ClinVar variation 985014 (VCV000985014.4), dbSNP rs2078159952, ClinGen allele CA352230150.
Genomic context (GRCh38, chr3:41,225,713, plus strand): 5'-TTCCCAGTTCACCAGTGGATTCTGTGTTGTTTTATGCCATTACAACTCTCCACAACCTTT[T>G]ATTACATCAAGAAGGAGCTAAAATGGCAGTGCGTTTAGCTGGTGGGCTGCAGAAAATGGT-3'

ClinVar aggregate classification (germline): Pathogenic (1 of 4 stars; one submission).

Conditions:
Inborn genetic diseases. Identifiers: MedGen C0950123, MeSH D030342.

Submission:

Ambry Genetics
Classification: Pathogenic for Inborn genetic diseases. Last evaluated: 2020-02-14. Review status: criteria provided, single submitter. Criteria: Ambry Variant Classification Scheme 2023. Collection method: clinical testing. Allele origin: germline.
Comment: The alteration results in a premature stop codon: _x000D_ _x000D_ The c.788T>G (p.L263*) alteration, located in exon 6 (coding exon 5) of the CTNNB1 gene, consists of a T to G substitution at nucleotide position 788. This changes the amino acid from a leucine (L) to a stop codon at amino acid position 263. This alteration is expected to result in loss of function by premature protein truncation or nonsense-mediated mRNA decay. The alteration is not observed in population databases: _x000D_ _x000D_ Based on data from the Genome Aggregation Database (gnomAD), the CNTTB1 c.788T>G alteration was not observed, with coverage at this position. Based on the available evidence, this alteration is classified as pathogenic.